The following is an entry in ClinVar:

ClinVar aggregate classification (germline): Pathogenic (1 of 4 stars; one submission).

Conditions:
Familial cancer of breast. Also called: BREAST CANCER, FAMILIAL; Hereditary breast cancer; hereditary breast carcinoma. Identifiers: Orphanet 227535, MedGen C0346153, MONDO:0016419, OMIM 114480. Disease mechanism: loss of function.

Submission:

Myriad Genetics, Inc.
Classification: Pathogenic for Familial cancer of breast. Last evaluated: 2024-01-12. Review status: criteria provided, single submitter. Criteria: Myriad Autosomal Dominant, Autosomal Recessive and X-Linked Classification Criteria (2023). Collection method: clinical testing. Allele origin: unknown.
Comment: This variant is considered pathogenic. This variant creates a termination codon and is predicted to result in premature protein truncation.

NM_000051.4(ATM):c.1102C>T (p.Gln368Ter)

Gene: ATM (ATM serine/threonine kinase; plus strand). Cytogenetic location: 11q22.3.
Variant type: single nucleotide variant.
Coding change: c.1102C>T on transcript NM_000051.4 (MANE Select); coding-DNA position 1102, C replaced by T.
Protein change: p.Gln368Ter; replaces glutamine 368 with a stop codon.
Molecular consequence: nonsense.
Genome position (GRCh38, 1-based): chr11:108,248,969, C>T. VCF-style: chr11-108248969-C-T. GRCh37 (hg19) VCF-style: chr11-108119696-C-T.
Other names: c.1102C>T, p.Gln368Ter (NM_001351834.2); short protein forms Q368*.
Identifiers: ClinVar variation 3148116 (VCV003148116.1), dbSNP rs1565378912, ClinGen allele CA382532388.